The following is an entry in ClinVar:

ClinVar aggregate classification (germline): Benign (0 of 4 stars; one submission).

Conditions:
KRT13-related disorder. Also called: KRT13-related condition.

Allele frequency attached by ClinVar (database versions not stated): TOPMed 0.00012; gnomAD 0.00056; 1000 Genomes Project 0.00419; 1000 Genomes Project 30x 0.00484; ExAC 0.00566.
gnomAD v4.1: 1,549 of 1,583,804 alleles (0.098%); highest among the groups gnomAD compares: South Asian, 1.7%; 30 homozygotes.

Submission:

PreventionGenetics, part of Exact Sciences
Classification: Benign for KRT13-related condition. Last evaluated: 2019-05-08. Review status: no assertion criteria provided. Collection method: clinical testing. Allele origin: germline.
Comment: This variant is classified as benign based on ACMG/AMP sequence variant interpretation guidelines (Richards et al. 2015 PMID: 25741868, with internal and published modifications).

NM_153490.3(KRT13):c.1270+8A>G

Gene: KRT13 (keratin 13; minus strand). Cytogenetic location: 17q21.2.
Variant type: single nucleotide variant.
Coding change: c.1270+8A>G on transcript NM_153490.3 (MANE Select); 8 bases into the intron after coding-DNA position 1270, A replaced by G.
Molecular consequence: intron variant.
Genome position (GRCh38, 1-based): chr17:41,501,711, T>C on the plus strand (A>G on the coding strand, the complement: KRT13 is on the minus strand). VCF-style: chr17-41501711-T-C. GRCh37 (hg19) VCF-style: chr17-39657963-T-C.
Other names: c.1245-349A>G (NM_002274.4).
Identifiers: ClinVar variation 3042192 (VCV003042192.2), dbSNP rs552325168, ClinGen allele CA8560444.
Genomic context (GRCh38, chr17:41,501,711, plus strand): 5'-ACCCCCATTGGGGCAGTGAATGGGAGGCTAACTCTGCCTCCCCCTACACCACGGGGCTGT[T>C]CCCTTACCTGCTGAGGAAGGGAAACCAATCATCCTGGGAGAGAGGACAGAGGTGGCCATG-3'